The following is an entry in ClinVar:

NM_000018.4(ACADVL):c.1679-1del

Gene: ACADVL (acyl-CoA dehydrogenase very long chain; plus strand). Cytogenetic location: 17p13.1.
Variant type: Deletion.
Coding change: c.1679-1del on transcript NM_000018.4 (MANE Select); the canonical splice acceptor site of the intron before coding-DNA position 1679, one base deleted (G; older notation c.1679-1delG).
Molecular consequence: splice acceptor variant.
Genome position (GRCh38, 1-based): chr17:7,224,641, G deleted. VCF-style (leftmost placement, unchanged base first): chr17-7224640-AG-A. GRCh37 (hg19) VCF-style: chr17-7127959-AG-A.
Other names: c.1748-1del (NM_001270447.2); c.1451-1del (NM_001270448.2); c.1613-1del (NM_001033859.3).
Identifiers: ClinVar variation 4081622 (VCV004081622.1).

ClinVar aggregate classification (germline): Likely pathogenic (1 of 4 stars; one submission).

Conditions:
Very long chain acyl-CoA dehydrogenase deficiency (ACADVLD). Also called: Very Long-Chain Acyl-Coenzyme A Dehydrogenase Deficiency; VLCAD Deficiency. Identifiers: Orphanet 26793, MedGen C3887523, MONDO:0008723, OMIM 201475.

Submission:

Myriad Genetics, Inc.
Classification: Likely pathogenic for Very long chain acyl-CoA dehydrogenase deficiency. Last evaluated: 2025-06-12. Review status: criteria provided, single submitter. Criteria: Myriad Autosomal Dominant, Autosomal Recessive and X-Linked Classification Criteria (2023). Collection method: clinical testing. Allele origin: unknown.
Comment: NM_000018.3(ACADVL):c.1679-1delG is a variant in a canonical splice site classified as likely pathogenic in the context of very-long-chain acyl-CoA dehydrogenase deficiency. c.1679-1delG has not been observed in cases with relevant disease. Relevant functional assessments of this variant are not available in the literature. c.1679-1delG has not been observed in referenced population frequency databases. In summary, NM_000018.3(ACADVL):c.1679-1delG is a variant in a canonical splice site in a gene where loss of function is a known mechanism of disease and is predicted to disrupt protein function. Please note: this variant was assessed in the context of healthy population screening.